The following is an entry in ClinVar:

ClinVar aggregate classification (germline): Pathogenic (1 of 4 stars; one submission).

Conditions:
Dyskeratosis congenita, autosomal recessive 5 (DKCB5). Identifiers: MedGen C3554656, MONDO:0014076, OMIM 615190.
Pulmonary fibrosis and/or bone marrow failure, Telomere-related, 3. Also called: PULMONARY FIBROSIS AND/OR BONE MARROW FAILURE SYNDROME, TELOMERE-RELATED, 3. Identifiers: Orphanet 2032, MedGen C4225346, MONDO:0014613, OMIM 616373.

Submission:

Labcorp Genetics (formerly Invitae), Labcorp
Classification: Pathogenic for Dyskeratosis congenita, autosomal recessive 5; Pulmonary fibrosis and/or bone marrow failure, Telomere-related, 3. Last evaluated: 2022-04-22. Review status: criteria provided, single submitter. Criteria: Invitae Variant Classification Sherloc (09022015). Collection method: clinical testing. Allele origin: germline.
Comment: This variant is a gross deletion of the genomic region encompassing exon(s) 11-14 of the RTEL1 gene. This deletion is out-of-frame, and is expected to create a premature termination codon and result in an absent or disrupted protein product. Loss-of-function variants in RTEL1 are known to be pathogenic (PMID: 23453664, 23959892, 25607374). This variant has not been reported in the literature in individuals affected with RTEL1-related conditions. For these reasons, this variant has been classified as Pathogenic.

Literature cited by the submitters: PubMed 23453664; PubMed 23959892; PubMed 25607374.

NC_000020.10:g.(?_62309488)_(62312082_?)del

Gene: RTEL1 (regulator of telomere elongation helicase 1; plus strand). Cytogenetic location: 20q13.33.
Variant type: Deletion.
Identifiers: ClinVar variation 2424103 (VCV002424103.3).